The following is an entry in ClinVar:

ClinVar aggregate classification (germline): Uncertain significance. Review status: criteria provided, multiple submitters, no conflicts (2 of 4 stars). 3 submissions from 3 submitters: Uncertain significance (3). Last evaluated 2025-10-18.

Conditions:
Cardiovascular phenotype. Identifiers: MedGen CN230736.
Dilated cardiomyopathy 1AA (CMD1AA). Also called: Cardiomyopathy, dilated, 1AA, with or without LVNC; CARDIOMYOPATHY, FAMILIAL HYPERTROPHIC, 23, WITH OR WITHOUT LEFT VENTRICULAR NONCOMPACTION; CARDIOMYOPATHY, DILATED, 1AA, WITH OR WITHOUT LEFT VENTRICULAR NONCOMPACTION. Identifiers: Orphanet 154, MedGen C2677338, MONDO:0012808, OMIM 612158.
Primary familial hypertrophic cardiomyopathy (HCM). Identifiers: Orphanet 99739, MedGen C0949658, MeSH D024741, MONDO:0024573. Inheritance: Various modes of inheritance.

Allele frequency attached by ClinVar (database versions not stated): gnomAD exomes below 0.00001; TOPMed below 0.00001.
gnomAD v4.1: 1 of 1,614,198 alleles (0.000062%); highest among the groups gnomAD compares: Admixed American, 0.0017%; no homozygotes.

Submissions (3):

Women's Health and Genetics/Laboratory Corporation of America, LabCorp
Classification: Uncertain significance. Last evaluated: 2025-10-18. Review status: criteria provided, single submitter. Criteria: LabCorp Variant Classification Summary - May 2015. Collection method: clinical testing. Allele origin: germline.

Labcorp Genetics (formerly Invitae), Labcorp
Classification: Uncertain significance for Primary familial hypertrophic cardiomyopathy; Dilated cardiomyopathy 1AA. Last evaluated: 2025-09-03. Review status: criteria provided, single submitter. Criteria: Invitae Variant Classification Sherloc (09022015). Collection method: clinical testing. Allele origin: germline.
Comment: This sequence change replaces glutamine, which is neutral and polar, with histidine, which is basic and polar, at codon 666 of the ACTN2 protein (p.Gln666His). This variant is not present in population databases (gnomAD no frequency). This variant has not been reported in the literature in individuals affected with ACTN2-related conditions. ClinVar contains an entry for this variant (Variation ID: 2186841). Invitae Evidence Modeling of protein sequence and biophysical properties (such as structural, functional, and spatial information, amino acid conservation, physicochemical variation, residue mobility, and thermodynamic stability) indicates that this missense variant is not expected to disrupt ACTN2 protein function with a negative predictive value of 80%. In summary, the available evidence is currently insufficient to determine the role of this variant in disease. Therefore, it has been classified as a Variant of Uncertain Significance.

Ambry Genetics
Classification: Uncertain significance for Cardiovascular phenotype. Last evaluated: 2025-06-06. Review status: criteria provided, single submitter. Criteria: Ambry Variant Classification Scheme 2023. Collection method: clinical testing. Allele origin: germline.

NM_001103.4(ACTN2):c.1998G>C (p.Gln666His)

Gene: ACTN2 (actinin alpha 2; plus strand). Cytogenetic location: 1q43.
Variant type: single nucleotide variant.
Coding change: c.1998G>C on transcript NM_001103.4 (MANE Select); coding-DNA position 1998, G replaced by C.
Protein change: p.Gln666His; replaces glutamine 666 with histidine.
Molecular consequence: missense variant.
Genome position (GRCh38, 1-based): chr1:236,755,042, G>C. VCF-style: chr1-236755042-G-C. GRCh37 (hg19) VCF-style: chr1-236918342-G-C.
Other names: c.1998G>C, p.Gln666His (NM_001278343.2); c.1374G>C, p.Gln458His (NM_001278344.2); c.1248G>C, p.Gln416His (NM_001412150.1); c.1998G>C (NM_001103.2); short protein forms Q458H, Q666H, Q416H.
Identifiers: ClinVar variation 2186841 (VCV002186841.4), dbSNP rs1659511741, ClinGen allele CA345387433.